The following is an entry in ClinVar:

ClinVar aggregate classification (germline): Pathogenic. Review status: reviewed by expert panel (3 of 4 stars). 8 submissions from 8 submitters: Pathogenic (1). 7 of the submissions do not count toward it. Last evaluated 2016-10-18.

Conditions:
BRCA1-related disorder. Also called: BRCA1-related condition.
Breast neoplasm. Also called: Breast Neoplasms; Neoplasm of the breast; Neoplasm of breast; Breast tumor. Identifiers: MedGen C1458155, MeSH D001943, MONDO:0021100, HP:0100013. Disease mechanism: gain of function.
Hereditary breast ovarian cancer syndrome. Also called: Breast and ovarian cancer; BRCA1- and BRCA2-Associated Hereditary Breast and Ovarian Cancer; Hereditary breast and ovarian cancer; Hereditary breast and ovarian cancer syndrome (HBOC); Hereditary breast and ovarian cancer syndrome; Hereditary breast and/or ovarian cancer syndrome. Identifiers: Orphanet 145, MedGen C0677776, MeSH D061325, MONDO:0003582. Disease mechanism: loss of function.
Breast-ovarian cancer, familial, susceptibility to, 1 (BROVCA1). Also called: BRCA1 Hereditary Breast and Ovarian Cancer; OVARIAN CANCER, SUSCEPTIBILITY TO. Identifiers: Orphanet 145, MedGen C2676676, MONDO:0011450, OMIM 604370. Disease mechanism: loss of function.

Submissions (8):

Evidence-based Network for the Interpretation of Germline Mutant Alleles (ENIGMA)
Classification: Pathogenic for Breast-ovarian cancer, familial, susceptibility to, 1. Last evaluated: 2016-10-18. Review status: reviewed by expert panel. Criteria: ENIGMA BRCA1/2 Classification Criteria (2015). Collection method: curation. Allele origin: germline.
Comment: Variant allele predicted to encode a truncated non-functional protein.

Labcorp Genetics (formerly Invitae), Labcorp
Classification: Pathogenic for Hereditary breast ovarian cancer syndrome. Last evaluated: 2024-11-20. Review status: criteria provided, single submitter. Criteria: Invitae Variant Classification Sherloc (09022015). Collection method: clinical testing. Allele origin: germline. Not counted in ClinVar's aggregate classification.
Comment: This sequence change creates a premature translational stop signal (p.Gln858*) in the BRCA1 gene. It is expected to result in an absent or disrupted protein product. Loss-of-function variants in BRCA1 are known to be pathogenic (PMID: 20104584). This variant is not present in population databases (gnomAD no frequency). This premature translational stop signal has been observed in individual(s) with hereditary breast and/or ovarian cancer (PMID: 28724667, 30702160). ClinVar contains an entry for this variant (Variation ID: 54607). For these reasons, this variant has been classified as Pathogenic.

Blueprint Genetics
Classification: Pathogenic for BRCA1-related disorders. Last evaluated: 2024-11-12. Review status: criteria provided, single submitter. Criteria: ACMG Guidelines, 2015. Collection method: clinical testing. Allele origin: germline. Affected: yes. Observed: 1 variant allele. Not counted in ClinVar's aggregate classification.

CeGaT Center for Human Genetics Tuebingen
Classification: Pathogenic. Last evaluated: 2024-06-01. Review status: criteria provided, single submitter. Criteria: CeGaT Center For Human Genetics Tuebingen Variant Classification Criteria Version 2. Collection method: clinical testing. Allele origin: germline. Affected: yes. Observed: 2 variant alleles. Not counted in ClinVar's aggregate classification.
Comment: BRCA1: PVS1, PM2, PS4:Moderate

Clinical Genetics and Genomics, Karolinska University Hospital
Classification: Pathogenic. Last evaluated: 2018-10-26. Review status: criteria provided, single submitter. Criteria: ACMG Guidelines, 2015. Collection method: clinical testing. Allele origin: germline. Affected: yes. Observed: 1 variant allele. Not counted in ClinVar's aggregate classification.

Laboratory of Molecular Diagnosis of Cancer, West China Hospital, Sichuan University
Classification: Pathogenic for Breast neoplasm. Last evaluated: 2015-11-01. Review status: criteria provided, single submitter. Criteria: ACMG Guidelines, 2015. Collection method: research. Allele origin: germline. Affected: yes. Observed: 1 variant allele. Not counted in ClinVar's aggregate classification.

Consortium of Investigators of Modifiers of BRCA1/2 (CIMBA), c/o University of Cambridge
Classification: Pathogenic for Breast-ovarian cancer, familial, susceptibility to, 1. Last evaluated: 2015-10-02. Review status: criteria provided, single submitter. Criteria: CIMBA Mutation Classification guidelines May 2016. Collection method: clinical testing. Allele origin: germline. Not counted in ClinVar's aggregate classification.

BRCAlab, Lund University
Classification: Pathogenic for Breast-ovarian cancer, familial, susceptibility to, 1. Last evaluated: 2020-03-02. Review status: no assertion criteria provided. Collection method: clinical testing. Allele origin: germline. Affected: yes. Not counted in ClinVar's aggregate classification.

Literature cited by the submitters: PubMed 20104584 (cited by Labcorp Genetics (formerly Invitae), Labcorp); PubMed 28724667 (cited by Labcorp Genetics (formerly Invitae), Labcorp); PubMed 30702160 (cited by Labcorp Genetics (formerly Invitae), Labcorp); PubMed 27257965 (cited by Laboratory of Molecular Diagnosis of Cancer, West China Hospital, Sichuan University).

NM_007294.4(BRCA1):c.2572C>T (p.Gln858Ter)

Gene: BRCA1 (BRCA1 DNA repair associated; minus strand). Cytogenetic location: 17q21.31.
Variant type: single nucleotide variant.
Coding change: c.2572C>T on transcript NM_007294.4 (MANE Select); coding-DNA position 2572, C replaced by T.
Protein change: p.Gln858Ter; replaces glutamine 858 with a stop codon.
Molecular consequence: nonsense. On other transcripts: intron variant (137).
Genome position (GRCh38, 1-based): chr17:43,092,959, G>A on the plus strand (C>T on the coding strand, the complement: BRCA1 is on the minus strand). VCF-style: chr17-43092959-G-A. GRCh37 (hg19) VCF-style: chr17-41244976-G-A.
Other names: 2691C>T-Gln858ter; c.2359C>T, p.Gln787Ter (NM_001407571.1, NM_001407853.1, NM_001407894.1 and 9 more transcripts); c.2572C>T, p.Gln858Ter (NM_001407581.1, NM_001407582.1, NM_001407583.1 and 30 more transcripts); c.2569C>T, p.Gln857Ter (NM_001407587.1, NM_001407590.1, NM_001407591.1 and 22 more transcripts); c.2494C>T, p.Gln832Ter (NM_001407658.1, NM_001407663.1, NM_001407653.1 and 4 more transcripts); c.2491C>T, p.Gln831Ter (NM_001407659.1, NM_001407660.1, NM_001407661.1 and 1 more transcripts); c.2449C>T, p.Gln817Ter (NM_001407664.1, NM_001407665.1, NM_001407666.1 and 19 more transcripts); c.2446C>T, p.Gln816Ter (NM_001407685.1, NM_001407940.1, NM_001407941.1 and 11 more transcripts); and 42 more; short protein forms Q858*, Q811*, Q769*, Q690*, Q746*, Q788*, Q791*, Q562*.
Identifiers: ClinVar variation 54607 (VCV000054607.30), dbSNP rs397508983, ClinGen allele CA001697.